The following is an entry in ClinVar:

NM_006231.4(POLE):c.4195G>C (p.Glu1399Gln)

Gene: POLE (DNA polymerase epsilon, catalytic subunit; minus strand). Cytogenetic location: 12q24.33.
Variant type: single nucleotide variant.
Coding change: c.4195G>C on transcript NM_006231.4 (MANE Select); coding-DNA position 4195, G replaced by C.
Protein change: p.Glu1399Gln; replaces glutamic acid 1399 with glutamine.
Molecular consequence: missense variant.
Genome position (GRCh38, 1-based): chr12:132,643,932, C>G on the plus strand (G>C on the coding strand, the complement: POLE is on the minus strand). VCF-style: chr12-132643932-C-G. GRCh37 (hg19) VCF-style: chr12-133220518-C-G.
Other names: short protein forms E1399Q.
Identifiers: ClinVar variation 473653 (VCV000473653.14), dbSNP rs5744935, ClinGen allele CA246305223.

ClinVar aggregate classification (germline): Uncertain significance. Review status: criteria provided, multiple submitters, no conflicts (2 of 4 stars). 2 submissions from 2 submitters: Uncertain significance (2). Last evaluated 2025-11-23.

Conditions:
Hereditary cancer-predisposing syndrome. Also called: Neoplastic Syndromes, Hereditary; Tumor predisposition; Hereditary Cancer Syndrome; Hereditary neoplastic syndrome. Identifiers: Orphanet 140162, MedGen C0027672, MeSH D009386, MONDO:0015356.

Submissions (2):

Labcorp Genetics (formerly Invitae), Labcorp
Classification: Uncertain significance. Last evaluated: 2025-11-23. Review status: criteria provided, single submitter. Criteria: Invitae Variant Classification Sherloc (09022015). Collection method: clinical testing. Allele origin: germline.
Comment: This sequence change replaces glutamic acid, which is acidic and polar, with glutamine, which is neutral and polar, at codon 1399 of the POLE protein (p.Glu1399Gln). This variant is not present in population databases (gnomAD no frequency). This variant has not been reported in the literature in individuals affected with POLE-related conditions. ClinVar contains an entry for this variant (Variation ID: 473653). Invitae Evidence Modeling of protein sequence and biophysical properties (such as structural, functional, and spatial information, amino acid conservation, physicochemical variation, residue mobility, and thermodynamic stability) indicates that this missense variant is not expected to disrupt POLE protein function with a negative predictive value of 80%. In summary, the available evidence is currently insufficient to determine the role of this variant in disease. Therefore, it has been classified as a Variant of Uncertain Significance.

Ambry Genetics
Classification: Uncertain significance for Hereditary cancer-predisposing syndrome. Last evaluated: 2024-05-31. Review status: criteria provided, single submitter. Criteria: Ambry Variant Classification Scheme 2023. Collection method: clinical testing. Allele origin: germline.
Comment: The p.E1399Q variant (also known as c.4195G>C), located in coding exon 33 of the POLE gene, results from a G to C substitution at nucleotide position 4195. The glutamic acid at codon 1399 is replaced by glutamine, an amino acid with highly similar properties. This amino acid position is conserved. In addition, this alteration is predicted to be tolerated by in silico analysis. Since supporting evidence is limited at this time, the clinical significance of this alteration remains unclear.